The following is an entry in ClinVar:

NM_053025.4(MYLK):c.1866del (p.Ile624fs)

Gene: MYLK (myosin light chain kinase; minus strand). Cytogenetic location: 3q21.1.
Variant type: Deletion.
Coding change: c.1866del on transcript NM_053025.4 (MANE Select); coding-DNA position 1866, one base deleted (A; older notation c.1866delA).
Protein change: p.Ile624fs; shifts the reading frame from isoleucine 624.
Molecular consequence: frameshift variant.
Genome position (GRCh38, 1-based): chr3:123,709,832, T deleted on the plus strand (A on the coding strand, the reverse complement: MYLK is on the minus strand). VCF-style (leftmost placement, unchanged base first): chr3-123709831-GT-G. GRCh37 (hg19) VCF-style: chr3-123428678-GT-G.
Other names: c.1338del, p.Ile448fs (NM_001321309.2); c.1659del, p.Ile555fs (NM_053026.4, NM_053028.4); c.1866del, p.Ile624fs (NM_053027.4); short protein forms I448fs, I555fs, I624fs.
Identifiers: ClinVar variation 2635408 (VCV002635408.1), dbSNP rs2474323289, ClinGen allele CA2577895292.
Genomic context (GRCh38, chr3:123,709,831, plus strand): 5'-TCATAGTGACCTGGCTTCCATCCATGACTTTGAGATCAGAGAGGCCCTGCAGGAAGATGG[GT>G]GCAGTGGGCTTGCTGGGAGCCACAGGCAGAAGGTACTCACTCTTCCTGCTACTCTTCTTT-3'

ClinVar aggregate classification (germline): Uncertain significance (1 of 4 stars; one submission).

Conditions:
MYLK-related disorder. Also called: MYLK-related condition.

Submission:

PreventionGenetics, part of Exact Sciences
Classification: Uncertain significance for MYLK-related condition. Last evaluated: 2022-11-07. Review status: criteria provided, single submitter. Criteria: ACMG Guidelines, 2015. Collection method: clinical testing. Allele origin: germline.
Comment: The MYLK c.1866delA variant is predicted to result in a frameshift and premature protein termination (p.Ile624Serfs*19). To our knowledge, this variant has not been reported in the literature or in a large population database, indicating this variant is rare. Although we suspect that this variant may be pathogenic, at this time, the clinical significance of this variant is uncertain due to the absence of conclusive functional and genetic evidence.